The following is an entry in ClinVar:

NM_020686.6(ABAT):c.631C>T (p.Leu211Phe)

Gene: ABAT (4-aminobutyrate aminotransferase; plus strand). Cytogenetic location: 16p13.2.
Variant type: single nucleotide variant.
Coding change: c.631C>T on transcript NM_020686.6 (MANE Select); coding-DNA position 631, C replaced by T.
Protein change: p.Leu211Phe; replaces leucine 211 with phenylalanine.
Molecular consequence: missense variant.
Genome position (GRCh38, 1-based): chr16:8,768,220, C>T. VCF-style: chr16-8768220-C-T. GRCh37 (hg19) VCF-style: chr16-8862077-C-T.
Other names: hgg.8768220C>T; c.631C>T, p.Leu211Phe (NM_000663.5, NM_001127448.2, NM_001386600.1 and 7 more transcripts); c.568C>T, p.Leu190Phe (NM_001386606.1, NM_001386607.1); c.538C>T, p.Leu180Phe (NM_001386608.1); c.496C>T, p.Leu166Phe (NM_001386610.1, NM_001386611.1); c.433C>T, p.Leu145Phe (NM_001386612.1, NM_001386613.1); c.385C>T, p.Leu129Phe (NM_001386614.1); c.727C>T, p.Leu243Phe (NM_001386615.1); short protein forms L211F, L129F, L145F, L166F, L180F, L190F, L243F.
Identifiers: ClinVar variation 162034 (VCV000162034.10), dbSNP rs724159990, ClinGen allele CA175085.

ClinVar aggregate classification (germline): Pathogenic/Likely pathogenic. Review status: criteria provided, multiple submitters, no conflicts (2 of 4 stars). 4 submissions from 4 submitters: Pathogenic (2); Likely pathogenic (2). Last evaluated 2024-08-09.

Conditions:
Inborn genetic diseases. Identifiers: MedGen C0950123, MeSH D030342.
Gamma-aminobutyric acid transaminase deficiency (GABATD). Also called: GABA aminotransaminase deficiency; GABA transaminase deficiency; Gamma aminobutyrate transaminase deficiency; 4 alpha aminobutyrate transaminase deficiency. Identifiers: Orphanet 2066, MedGen C0342708, MONDO:0013166, OMIM 613163.

Allele frequency attached by ClinVar (database versions not stated): gnomAD exomes below 0.00001.

Submissions (4):

Ambry Genetics
Classification: Likely pathogenic for Inborn genetic diseases. Last evaluated: 2024-08-09. Review status: criteria provided, single submitter. Criteria: Ambry Variant Classification Scheme 2023. Collection method: clinical testing. Allele origin: germline.
Comment: The c.631C>T (p.L211F) alteration is located in exon 10 (coding exon 9) of the ABAT gene. This alteration results from a C to T substitution at nucleotide position 631, causing the leucine (L) at amino acid position 211 to be replaced by a phenylalanine (F). This variant was not reported in population-based cohorts in the Genome Aggregation Database (gnomAD). This variant has been identified in the homozygous state in individuals with features consistent with GABA-transaminase deficiency (Besse, 2015; Hu, 2019). This amino acid position is highly conserved in available vertebrate species. In multiple assays testing ABAT function, this variant showed functionally abnormal results (Besse, 2015; Besse, 2016). This alteration is predicted to be deleterious by in silico analysis. Based on the available evidence, this alteration is classified as likely pathogenic.

Labcorp Genetics (formerly Invitae), Labcorp
Classification: Likely pathogenic for Gamma-aminobutyric acid transaminase deficiency. Last evaluated: 2023-10-03. Review status: criteria provided, single submitter. Criteria: Invitae Variant Classification Sherloc (09022015). Collection method: clinical testing. Allele origin: germline.
Comment: This sequence change replaces leucine, which is neutral and non-polar, with phenylalanine, which is neutral and non-polar, at codon 211 of the ABAT protein (p.Leu211Phe). This variant is not present in population databases (gnomAD no frequency). This missense change has been observed in individual(s) with GABA-transaminase deficiency (PMID: 25738457, 27903293, 29302074). It has also been observed to segregate with disease in related individuals. ClinVar contains an entry for this variant (Variation ID: 162034). Advanced modeling of protein sequence and biophysical properties (such as structural, functional, and spatial information, amino acid conservation, physicochemical variation, residue mobility, and thermodynamic stability) performed at Invitae indicates that this missense variant is expected to disrupt ABAT protein function. Experimental studies have shown that this missense change affects ABAT function (PMID: 25738457, 27903293). In summary, the currently available evidence indicates that the variant is pathogenic, but additional data are needed to prove that conclusively. Therefore, this variant has been classified as Likely Pathogenic.

Elsea Laboratory, Baylor College of Medicine
Classification: Pathogenic for Gamma-aminobutyric acid transaminase deficiency. Last evaluated: 2019-02-01. Review status: criteria provided, single submitter. Criteria: ABAT.assertions.Elsea.docx. Collection method: clinical testing. Allele origin: germline. Affected: yes.

Bonnen Lab, Baylor College of Medicine
Classification: Pathogenic for Gamma-aminobutyric acid transaminase deficiency. Last evaluated: 2014-01-01. Review status: criteria provided, single submitter. Criteria: Submitter's publication. Collection method: research. Allele origin: germline. Inheritance: Autosomal recessive inheritance. Affected: yes and no. Observed: 4 variant alleles, 2 heterozygotes, 2 homozygotes. Clinical features observed: severe psychomotor retardation, intractable seizures, hypotonia, hyperreflexia, elevated GABA in basal ganglia, ETC deficiency in muscle, absence of severe psychomotor retardation, absence of intractable seizures, absence of hypotonia, absence of hyperreflexia, absence of elevated GABA in basal ganglia, absence of ETC deficiency in muscle.
Comment: clinical and in vitro studies

Literature cited by the submitters: PubMed 25738457 (cited by 3 submitters); PubMed 27903293 (cited by Ambry Genetics and Labcorp Genetics (formerly Invitae), Labcorp); PubMed 29302074 (cited by Ambry Genetics and Labcorp Genetics (formerly Invitae), Labcorp); PubMed 31133775 (cited by Elsea Laboratory, Baylor College of Medicine).